The following is an entry in ClinVar:

ClinVar aggregate classification (germline): Uncertain significance (1 of 4 stars; one submission).

gnomAD v4.1: 8 of 1,611,704 alleles (0.0005%); highest among the groups gnomAD compares: African/African-American, 0.0013%; no homozygotes.

Submission:

CeGaT Center for Human Genetics Tuebingen
Classification: Uncertain significance. Last evaluated: 2024-07-01. Review status: criteria provided, single submitter. Criteria: CeGaT Center For Human Genetics Tuebingen Variant Classification Criteria Version 2. Collection method: clinical testing. Allele origin: germline. Affected: yes. Observed: 1 variant allele.
Comment: ZNF408: PM2, PM3:Supporting

NM_024741.3(ZNF408):c.1507C>T (p.Arg503Trp)

Gene: ZNF408 (zinc finger protein 408; plus strand). Cytogenetic location: 11p11.2.
Variant type: single nucleotide variant.
Coding change: c.1507C>T on transcript NM_024741.3 (MANE Select); coding-DNA position 1507, C replaced by T.
Protein change: p.Arg503Trp; replaces arginine 503 with tryptophan.
Molecular consequence: missense variant.
Genome position (GRCh38, 1-based): chr11:46,705,207, C>T. VCF-style: chr11-46705207-C-T. GRCh37 (hg19) VCF-style: chr11-46726757-C-T.
Other names: c.1483C>T, p.Arg495Trp (NM_001184751.2); short protein forms R495W, R503W.
Identifiers: ClinVar variation 3257346 (VCV003257346.17).